The following is an entry in ClinVar:

ClinVar aggregate classification (germline): Likely benign. Review status: criteria provided, multiple submitters, no conflicts (2 of 4 stars). 3 submissions from 3 submitters: Likely benign (3). Last evaluated 2025-12-29.

Conditions:
Congenital primary aphakia. Also called: ANTERIOR SEGMENT DYSGENESIS 2; Anterior segment dysgenesis 2, multiple subtypes. Identifiers: Orphanet 83461, MedGen C1853230, MONDO:0012456, OMIM 610256.
Anterior segment dysgenesis. Also called: Ocular anterior segment dysgenesis. Identifiers: Orphanet 88632, MedGen C1862839, MONDO:0019503, HP:0007700.
Cardiovascular phenotype. Identifiers: MedGen CN230736.

Allele frequency attached by ClinVar (database versions not stated): gnomAD 0.00002; gnomAD exomes 0.00002; TOPMed 0.00002.

Submissions (3):

Labcorp Genetics (formerly Invitae), Labcorp
Classification: Likely benign for Anterior segment dysgenesis; Congenital primary aphakia. Last evaluated: 2025-12-29. Review status: criteria provided, single submitter. Criteria: Invitae Variant Classification Sherloc (09022015). Collection method: clinical testing. Allele origin: germline.

CeGaT Center for Human Genetics Tuebingen
Classification: Likely benign. Last evaluated: 2022-10-01. Review status: criteria provided, single submitter. Criteria: CeGaT Center For Human Genetics Tuebingen Variant Classification Criteria Version 2. Collection method: clinical testing. Allele origin: germline. Affected: yes. Observed: 1 variant allele.
Comment: FOXE3: BP4, BP7

Ambry Genetics
Classification: Likely benign for Cardiovascular phenotype. Last evaluated: 2022-08-03. Review status: criteria provided, single submitter. Criteria: Ambry Variant Classification Scheme 2023. Collection method: clinical testing. Allele origin: germline.

NM_012186.3(FOXE3):c.696G>C (p.Leu232=)

Genes: FOXE3 (forkhead box E3; plus strand), LINC01389 (long independently transcribed non-coding RNA 1389; minus strand). Cytogenetic location: 1p33.
Variant type: single nucleotide variant.
Coding change: c.696G>C on transcript NM_012186.3 (MANE Select); coding-DNA position 696, G replaced by C.
Protein change: p.Leu232=; no amino-acid change (leucine 232 retained).
Molecular consequence: synonymous variant.
Genome position (GRCh38, 1-based): chr1:47,417,011, G>C. VCF-style: chr1-47417011-G-C. GRCh37 (hg19) VCF-style: chr1-47882683-G-C.
Identifiers: ClinVar variation 1756379 (VCV001756379.31), dbSNP rs1014718411, ClinGen allele CA22069196.